The following is an entry in ClinVar:

ClinVar aggregate classification (germline): Uncertain significance (1 of 4 stars; one submission).

Allele frequency attached by ClinVar (database versions not stated): gnomAD exomes below 0.00001; TOPMed 0.00002; gnomAD 0.00003.
gnomAD v4.1: 6 of 1,614,018 alleles (0.00037%); highest among the groups gnomAD compares: African/African-American, 0.008%; no homozygotes.

Submission:

Labcorp Genetics (formerly Invitae), Labcorp
Classification: Uncertain significance. Last evaluated: 2024-03-04. Review status: criteria provided, single submitter. Criteria: Invitae Variant Classification Sherloc (09022015). Collection method: clinical testing. Allele origin: germline.
Comment: This sequence change replaces asparagine, which is neutral and polar, with lysine, which is basic and polar, at codon 204 of the KANK1 protein (p.Asn204Lys). This variant is present in population databases (no rsID available, gnomAD 0.01%). This variant has not been reported in the literature in individuals affected with KANK1-related conditions. ClinVar contains an entry for this variant (Variation ID: 1927695). Advanced modeling of protein sequence and biophysical properties (such as structural, functional, and spatial information, amino acid conservation, physicochemical variation, residue mobility, and thermodynamic stability) performed at Invitae indicates that this missense variant is not expected to disrupt KANK1 protein function with a negative predictive value of 80%. In summary, the available evidence is currently insufficient to determine the role of this variant in disease. Therefore, it has been classified as a Variant of Uncertain Significance.

NM_015158.5(KANK1):c.612C>G (p.Asn204Lys)

Gene: KANK1 (KN motif and ankyrin repeat domains 1; plus strand). Cytogenetic location: 9p24.3.
Variant type: single nucleotide variant.
Coding change: c.612C>G on transcript NM_015158.5 (MANE Select); coding-DNA position 612, C replaced by G.
Protein change: p.Asn204Lys; replaces asparagine 204 with lysine.
Molecular consequence: missense variant. On other transcripts: non-coding transcript variant (1).
Genome position (GRCh38, 1-based): chr9:711,378, C>G. VCF-style: chr9-711378-C-G. GRCh37 (hg19) VCF-style: chr9-711378-C-G.
Other names: c.612C>G, p.Asn204Lys (NM_001256876.3, NM_001256877.3, NM_001354331.2 and 2 more transcripts); c.138C>G, p.Asn46Lys (NM_001354333.2, NM_001354335.2, NM_001354336.2 and 9 more transcripts); short protein forms N204K, N46K.
Identifiers: ClinVar variation 1927695 (VCV001927695.5), dbSNP rs986903707, ClinGen allele CA187836129.